The following is an entry in ClinVar:

ClinVar aggregate classification (germline): Conflicting classifications of pathogenicity. Review status: criteria provided, conflicting classifications (1 of 4 stars). 2 submissions from 2 submitters: Uncertain significance (1); Likely benign (1). Last evaluated 2025-12-09.

Conditions:
Brugada syndrome. Also called: Sudden unexpected nocturnal death syndrome; Sudden unexplained nocturnal death syndrome; Sudden Unexplained Death Syndrome; Sudden Unexplained Nocturnal Death Syndrome (SUNDS). Identifiers: Orphanet 130, MedGen C1142166, MONDO:0015263.
Cardiovascular phenotype. Identifiers: MedGen CN230736.

Allele frequency attached by ClinVar (database versions not stated): gnomAD exomes 0.00001 and 0.00003; TOPMed 0.00003; gnomAD 0.00005.
gnomAD v4.1: 46 of 1,614,018 alleles (0.0029%); highest among the groups gnomAD compares: East Asian, 0.0045%; no homozygotes.

Submissions (2):

Labcorp Genetics (formerly Invitae), Labcorp
Classification: Likely benign for Brugada syndrome. Last evaluated: 2025-12-09. Review status: criteria provided, single submitter. Criteria: Invitae Variant Classification Sherloc (09022015). Collection method: clinical testing. Allele origin: germline.

Ambry Genetics
Classification: Uncertain significance for Cardiovascular phenotype. Last evaluated: 2022-06-22. Review status: criteria provided, single submitter. Criteria: Ambry Variant Classification Scheme 2023. Collection method: clinical testing. Allele origin: germline.
Comment: The c.3909C>T variant (also known as p.F1303F), located in coding exon 22 of the SCN10A gene, results from a C to T substitution at nucleotide position 3909. This nucleotide substitution does not change the phenylalanine at codon 1303. This nucleotide position is poorly conserved in available vertebrate species. In silico splice site analysis for this alteration is inconclusive. The evidence for this gene-disease relationship is limited; therefore, the clinical significance of this alteration is unclear.

NM_006514.4(SCN10A):c.3909C>T (p.Phe1303=)

Gene: SCN10A (sodium voltage-gated channel alpha subunit 10; minus strand). Cytogenetic location: 3p22.2.
Variant type: single nucleotide variant.
Coding change: c.3909C>T on transcript NM_006514.4 (MANE Select); coding-DNA position 3909, C replaced by T.
Protein change: p.Phe1303=; no amino-acid change (phenylalanine 1303 retained).
Molecular consequence: synonymous variant.
Genome position (GRCh38, 1-based): chr3:38,712,341, G>A on the plus strand (C>T on the coding strand, the complement: SCN10A is on the minus strand). VCF-style: chr3-38712341-G-A. GRCh37 (hg19) VCF-style: chr3-38753832-G-A.
Other names: c.3906C>T, p.Phe1302= (NM_001293306.2); c.3615C>T, p.Phe1205= (NM_001293307.2).
Identifiers: ClinVar variation 1124525 (VCV001124525.9), dbSNP rs928284057, ClinGen allele CA72950507.